The following is an entry in ClinVar:

ClinVar aggregate classification (germline): Likely benign. Review status: criteria provided, multiple submitters, no conflicts (2 of 4 stars). 2 submissions from 2 submitters: Likely benign (2). Last evaluated 2022-03-11.

Conditions:
Microcephaly, normal intelligence and immunodeficiency (NBS). Also called: BERLIN BREAKAGE SYNDROME; SEEMANOVA SYNDROME II; Nijmegen breakage syndrome; IMMUNODEFICIENCY, MICROCEPHALY, AND CHROMOSOMAL INSTABILITY; Immunodeficiency, microcephaly with normal intelligence; Microcephaly with normal intelligence immunodeficiency and lymphoreticular malignancies. Identifiers: Orphanet 647, MedGen C0398791, MONDO:0009623, OMIM 251260.

Allele frequency attached by ClinVar (database versions not stated): gnomAD 0.00001.
gnomAD v4.1: 1 of 1,613,482 alleles (0.000062%); highest among the groups gnomAD compares: Non-Finnish European, 0.000085%; no homozygotes.

Submissions (2):

Labcorp Genetics (formerly Invitae), Labcorp
Classification: Likely benign for Microcephaly, normal intelligence and immunodeficiency. Last evaluated: 2022-03-11. Review status: criteria provided, single submitter. Criteria: Invitae Variant Classification Sherloc (09022015). Collection method: clinical testing. Allele origin: germline.

GeneDx
Classification: Likely benign. Last evaluated: 2016-05-06. Review status: criteria provided, single submitter. Criteria: GeneDx Variant Classification (06012015). Collection method: clinical testing. Allele origin: germline. Affected: yes.
Comment: This variant is considered likely benign or benign based on one or more of the following criteria: it is a conservative change, it occurs at a poorly conserved position in the protein, it is predicted to be benign by multiple in silico algorithms, and/or has population frequency not consistent with disease.

NM_002485.5(NBN):c.1671C>A (p.Ala557=)

Gene: NBN (nibrin; minus strand). Cytogenetic location: 8q21.3.
Variant type: single nucleotide variant.
Coding change: c.1671C>A on transcript NM_002485.5 (MANE Select); coding-DNA position 1671, C replaced by A.
Protein change: p.Ala557=; no amino-acid change (alanine 557 retained).
Molecular consequence: synonymous variant.
Genome position (GRCh38, 1-based): chr8:89,953,418, G>T on the plus strand (C>A on the coding strand, the complement: NBN is on the minus strand). VCF-style: chr8-89953418-G-T. GRCh37 (hg19) VCF-style: chr8-90965646-G-T.
Other names: c.1425C>A, p.Ala475= (NM_001024688.3).
Identifiers: ClinVar variation 383558 (VCV000383558.9), dbSNP rs1057521670, ClinGen allele CA16605424.